The following is an entry in ClinVar:

NM_005797.4(MPZL2):c.68del (p.Pro23fs)

Gene: MPZL2 (myelin protein zero like 2; minus strand). Cytogenetic location: 11q23.3.
Variant type: Deletion.
Coding change: c.68del on transcript NM_005797.4 (MANE Select); coding-DNA position 68, one base deleted (C; older notation c.68delC).
Protein change: p.Pro23fs; shifts the reading frame from proline 23.
Molecular consequence: frameshift variant.
Genome position (GRCh38, 1-based): chr11:118,263,088, G deleted on the plus strand (C on the coding strand, the reverse complement: MPZL2 is on the minus strand); the first of 2 consecutive G bases (chr11:118,263,088-118,263,089); deleting either gives the same sequence. VCF-style (leftmost placement, unchanged base first): chr11-118263087-AG-A. GRCh37 (hg19) VCF-style: chr11-118133802-AG-A.
Other names: c.68del, p.Pro23fs (NM_144765.3); c.68delC (NM_005797.4); short protein forms P23fs.
Identifiers: ClinVar variation 1705474 (VCV001705474.4), dbSNP rs1167608859, ClinGen allele CA601867789.

ClinVar aggregate classification (germline): Pathogenic/Likely pathogenic. Review status: criteria provided, multiple submitters, no conflicts (2 of 4 stars). 4 submissions from 4 submitters: Pathogenic (3); Likely pathogenic (1). Last evaluated 2025-04-17.

Conditions:
Hearing loss, autosomal recessive 111. Also called: DEAFNESS, AUTOSOMAL RECESSIVE 111. Identifiers: MedGen C4748374, MONDO:0029142, OMIM 618145.

Submissions (4):

Variantyx, Inc.
Classification: Pathogenic for Hearing loss, autosomal recessive 111. Last evaluated: 2025-04-17. Review status: criteria provided, single submitter. Criteria: Variantyx Assertion Criteria 2022. Collection method: clinical testing. Allele origin: germline. Inheritance: Autosomal recessive inheritance. Affected: yes.
Comment: This is a frameshift variant in the MPZL2 gene (OMIM: 604873). Pathogenic variants in this gene have been associated with autosomal recessive hearing loss 111. This variant introduces a premature termination codon in exon 2 out of 6 and is expected to result in loss of function, which is a known disease mechanism for MPZL2 in this disorder (PMID: 29961571, 29982980) (PVS1). It has been identified in the homozygous or compound heterozygous state in at least two individuals reported in the published literature (PMID: 38254107) (PM3_Strong) and has a 0.0048% maximum allele frequency in non-founder control populations (PM2). Based on the current evidence, this variant is classified as pathogenic for autosomal recessive hearing loss 111.

Genetic Testing Center for Deafness, Department of Otolaryngology Head & Neck Surgery, Institute of Otolaryngology, Chinese PLA General Hospital
Classification: Pathogenic for Hearing loss, autosomal recessive 111. Last evaluated: 2022-12-13. Review status: criteria provided, single submitter. Criteria: ClinGen HL ACMG Specifications v1. Collection method: clinical testing. Allele origin: maternal. Affected: yes. Observed: 1 variant allele.

3billion
Classification: Likely pathogenic for Hearing loss, autosomal recessive 111. Last evaluated: 2022-09-01. Review status: criteria provided, single submitter. Criteria: ACMG Guidelines, 2015. Collection method: clinical testing. Allele origin: germline. Affected: yes. Observed: 1 heterozygote.
Comment: The variant is observed at an extremely low frequency in the gnomAD v2.1.1 dataset (total allele frequency: <0.001%). Frameshift variant is predicted to result in a loss or disruption of normal protein function through nonsense-mediated decay (NMD) or protein truncation. Multiple pathogenic variants are reported downstream of the variant. Therefore, this variant is classified as Likely pathogenic according to the recommendation of ACMG/AMP guideline.

Juno Genomics, Hangzhou Juno Genomics, Inc
Classification: Pathogenic for Hearing loss, autosomal recessive 111. Review status: criteria provided, single submitter. Criteria: ACMG Guidelines, 2015. Collection method: clinical testing. Allele origin: germline. Affected: yes.
Comment: Absent from controls (or at extremely low frequency if recessive) in Genome Aggregation Database.;Null variant in a gene where loss of function (LOF) is a known mechanism of disease.;For recessive disorders, detected in trans with a pathogenic variant.

Literature cited by the submitters: PubMed 29961571 (cited by Variantyx, Inc.); PubMed 29982980 (cited by Variantyx, Inc.); PubMed 38254107 (cited by Variantyx, Inc.).